The following is an entry in ClinVar:

NM_001126108.2(SLC12A3):c.1258_1262del (p.Ala420fs)

Gene: SLC12A3 (solute carrier family 12 member 3; plus strand). Cytogenetic location: 16q13.
Variant type: Deletion.
Coding change: c.1258_1262del on transcript NM_001126108.2 (MANE Select); coding-DNA positions 1258 to 1262, 5 bases deleted (GCCTG; older notation c.1258_1262delGCCTG).
Protein change: p.Ala420fs; shifts the reading frame from alanine 420.
Molecular consequence: frameshift variant.
Genome position (GRCh38, 1-based): chr16:56,879,150-56,879,154, GCCTG deleted; deleting any 5 consecutive bases within chr16:56,879,147-56,879,154 gives the same sequence; the c. name uses the placement nearest the transcript's 3' end. VCF-style (leftmost placement, unchanged base first): chr16-56879146-GCTGGC-G. GRCh37 (hg19) VCF-style: chr16-56913058-GCTGGC-G.
Other names: c.1258_1262del, p.Ala420fs (NM_000339.3); c.1255_1259del, p.Ala419fs (NM_001126107.2); short protein forms A419fs, A420fs.
Identifiers: ClinVar variation 1383910 (VCV001383910.10), dbSNP rs2144711571, ClinGen allele CA495603719.

ClinVar aggregate classification (germline): Pathogenic/Likely pathogenic. Review status: criteria provided, multiple submitters, no conflicts (2 of 4 stars). 4 submissions from 4 submitters: Pathogenic (3); Likely pathogenic (1). Last evaluated 2026-09-15.

Conditions:
Renal tubulopathies.
Familial hypokalemia-hypomagnesemia (GTLMNS). Also called: gitelman syndrome; HYPOMAGNESEMIA-HYPOKALEMIA, PRIMARY RENOTUBULAR, WITH HYPOCALCIURIA; POTASSIUM AND MAGNESIUM DEPLETION. Identifiers: Orphanet 358, MedGen C0268450, MONDO:0009904, OMIM 263800.

Submissions (4):

Genetics Laboratory, Great Ormond Street Hospital NHS Foundation Trust, North Thames Genomic Laboratory Hub
Classification: Pathogenic for Renal tubulopathies. Last evaluated: 2026-09-15. Review status: criteria provided, single submitter. Criteria: ACGS Best Practice Guidelines for Variant Classification in Rare Disease 2024 v1.2. Collection method: clinical testing. Allele origin: germline. Affected: yes.
Comment: PM2_moderate, PVS1_very-strong, PM3_moderate

Labcorp Genetics (formerly Invitae), Labcorp
Classification: Pathogenic. Last evaluated: 2022-11-14. Review status: criteria provided, single submitter. Criteria: Invitae Variant Classification Sherloc (09022015). Collection method: clinical testing. Allele origin: germline.
Comment: This sequence change creates a premature translational stop signal (p.Ala420Glnfs*103) in the SLC12A3 gene. It is expected to result in an absent or disrupted protein product. Loss-of-function variants in SLC12A3 are known to be pathogenic (PMID: 20848653, 22009145, 25841442). For these reasons, this variant has been classified as Pathogenic. This variant is not present in population databases (gnomAD no frequency). This variant has not been reported in the literature in individuals affected with SLC12A3-related conditions. ClinVar contains an entry for this variant (Variation ID: 1383910).

Fulgent Genetics
Classification: Likely pathogenic for Familial hypokalemia-hypomagnesemia. Last evaluated: 2022-03-23. Review status: criteria provided, single submitter. Criteria: ACMG Guidelines, 2015. Collection method: clinical testing. Allele origin: unknown.

Victorian Clinical Genetics Services, Murdoch Childrens Research Institute
Classification: Pathogenic for Familial hypokalemia-hypomagnesemia. Last evaluated: 2020-10-19. Review status: criteria provided, single submitter. Criteria: ACMG Guidelines, 2015. Collection method: clinical testing. Allele origin: germline. Inheritance: Autosomal recessive inheritance.
Comment: Based on the classification scheme VCGS_Germline_v1.3.3, this variant is classified as 5-Pathogenic. Following criteria are met: 0102 - Loss of function is a known mechanism of disease in this gene and is associated with Gitelman syndrome (MIM#263800). (I) 0106 - This gene is associated with autosomal recessive disease. (I) 0201 - Variant is predicted to cause nonsense-mediated decay (NMD) and loss of protein (premature termination codon is located at least 54 nucleotides upstream of the final exon-exon junction). (SP) 0251 - This variant is heterozygous. (I) 0301 - Variant is absent from gnomAD (both v2 and v3). (SP) 0701 - Other NMD-predicted variants comparable to the one identified in this case have very strong previous evidence for pathogenicity. There are at least 4 NMD-predicted variants reported pathogenic in the SLC12A3 gene (Decipher). (SP) 0807 - This variant has no previous evidence of pathogenicity. (I) 0905 - No published segregation evidence has been identified for this variant. (I) 1007 - No published functional evidence has been identified for this variant. (I) 1208 - Inheritance information for this variant is not currently available in this individual. (I) Legend: (SP) - Supporting pathogenic, (I) - Information, (SB) - Supporting benign

Literature cited by the submitters: PubMed 20848653 (cited by Labcorp Genetics (formerly Invitae), Labcorp); PubMed 22009145 (cited by Labcorp Genetics (formerly Invitae), Labcorp); PubMed 25841442 (cited by Labcorp Genetics (formerly Invitae), Labcorp).